The following is an entry in ClinVar:

ClinVar aggregate classification (germline): Uncertain significance. Review status: criteria provided, multiple submitters, no conflicts (2 of 4 stars). 2 submissions from 2 submitters: Uncertain significance (2). Last evaluated 2025-09-02.

Conditions:
Nephronophthisis. Also called: Juvenile Nephronophthisis. Identifiers: Orphanet 655, MedGen C0687120, MONDO:0019005, HP:0000090.
Jeune thoracic dystrophy. Also called: Short-rib thoracic dysplasia; Jeune syndrome; Infantile thoracic dystrophy; Thoracic pelvic phalangeal dystrophy; Jeune's syndrome; Chondroectodermal dysplasia-like syndrome. Identifiers: Orphanet 474, MedGen C0265275, MONDO:0018770.
TTC21B-related disorder. Also called: TTC21B-related condition; TTC21B-related disorders.

Allele frequency attached by ClinVar (database versions not stated): ExAC 0.00001; gnomAD 0.00001; gnomAD exomes 0.00001.
gnomAD v4.1: 19 of 1,612,190 alleles (0.0012%); highest among the groups gnomAD compares: East Asian, 0.0022%; no homozygotes.

Submissions (2):

PreventionGenetics, part of Exact Sciences
Classification: Uncertain significance for TTC21B-related condition. Last evaluated: 2025-09-02. Review status: criteria provided, single submitter. Criteria: ACMG Guidelines, 2015. Collection method: clinical testing. Allele origin: germline.
Comment: The TTC21B c.2123A>G variant is predicted to result in the amino acid substitution p.Tyr708Cys. To our knowledge, this variant has not been reported in the literature. This variant is reported in 0.0028% of alleles in individuals of Latino descent in gnomAD. At this time, the clinical significance of this variant is uncertain due to the absence of conclusive functional and genetic evidence.

Labcorp Genetics (formerly Invitae), Labcorp
Classification: Uncertain significance for Jeune thoracic dystrophy; Nephronophthisis. Last evaluated: 2024-12-16. Review status: criteria provided, single submitter. Criteria: Invitae Variant Classification Sherloc (09022015). Collection method: clinical testing. Allele origin: germline.
Comment: This sequence change replaces tyrosine, which is neutral and polar, with cysteine, which is neutral and slightly polar, at codon 708 of the TTC21B protein (p.Tyr708Cys). This variant is present in population databases (rs756694027, gnomAD 0.003%). This variant has not been reported in the literature in individuals affected with TTC21B-related conditions. ClinVar contains an entry for this variant (Variation ID: 1511446). Invitae Evidence Modeling of protein sequence and biophysical properties (such as structural, functional, and spatial information, amino acid conservation, physicochemical variation, residue mobility, and thermodynamic stability) has been performed for this missense variant. However, the output from this modeling did not meet the statistical confidence thresholds required to predict the impact of this variant on TTC21B protein function. In summary, the available evidence is currently insufficient to determine the role of this variant in disease. Therefore, it has been classified as a Variant of Uncertain Significance.

NM_024753.5(TTC21B):c.2123A>G (p.Tyr708Cys)

Gene: TTC21B (tetratricopeptide repeat domain 21B; minus strand). Cytogenetic location: 2q24.3.
Variant type: single nucleotide variant.
Coding change: c.2123A>G on transcript NM_024753.5 (MANE Select); coding-DNA position 2123, A replaced by G.
Protein change: p.Tyr708Cys; replaces tyrosine 708 with cysteine.
Molecular consequence: missense variant.
Genome position (GRCh38, 1-based): chr2:165,915,216, T>C on the plus strand (A>G on the coding strand, the complement: TTC21B is on the minus strand). VCF-style: chr2-165915216-T-C. GRCh37 (hg19) VCF-style: chr2-166771726-T-C.
Other names: c.2123A>G (NM_024753.4); short protein forms Y708C.
Identifiers: ClinVar variation 1511446 (VCV001511446.7), dbSNP rs756694027, ClinGen allele CA1941937.